The following is an entry in ClinVar:

ClinVar aggregate classification (germline): Uncertain significance (1 of 4 stars; one submission).

Submission:

Dasa
Classification: Uncertain significance. Last evaluated: 2025-05-18. Review status: criteria provided, single submitter. Criteria: DASA Assertion Criteria. Collection method: clinical testing. Allele origin: germline.
Comment: NM_014516.4(CNOT3):c.982C>T (p.Pro328Ser) is a missense variant that results in the substitution of proline with serine. This variant is rare in population databases. Computational prediction algorithms are consistent with a benign effect. The currently available literature and clinical evidence are not sufficient to establish a definitive association between this variant and the reported condition. Therefore, this variant is classified as a variant of uncertain significance.

NM_014516.4(CNOT3):c.982C>T (p.Pro328Ser)

Gene: CNOT3 (CCR4-NOT transcription complex subunit 3; plus strand). Cytogenetic location: 19q13.42.
Variant type: single nucleotide variant.
Coding change: c.982C>T on transcript NM_014516.4 (MANE Select); coding-DNA position 982, C replaced by T.
Protein change: p.Pro328Ser; replaces proline 328 with serine.
Molecular consequence: missense variant. On other transcripts: non-coding transcript variant (2).
Genome position (GRCh38, 1-based): chr19:54,148,235, C>T. VCF-style: chr19-54148235-C-T. GRCh37 (hg19) VCF-style: chr19-54651970-C-T.
Other names: c.982C>T, p.Pro328Ser (NM_001440656.1, NM_001440658.1, NM_001440664.1 and 1 more transcripts); c.985C>T, p.Pro329Ser (NM_001440657.1, NM_001440661.1, NM_001440662.1 and 3 more transcripts); c.439C>T, p.Pro147Ser (NM_001440659.1, NM_001440660.1); short protein forms P147S, P328S, P329S.
Identifiers: ClinVar variation 4886087 (VCV004886087.2).